The following is an entry in ClinVar:

ClinVar aggregate classification (germline): Likely pathogenic (1 of 4 stars; one submission).

Conditions:
Pelizaeus-Merzbacher disease. Also called: LEUKODYSTROPHY, HYPOMYELINATING, 1; Sudanophilic leukodystrophy; Pelizaeus-Merzbacher spectrum disorder; Pelizaeus-Merzbacher Disease (PMD); Pelizeaus-Merzbacher spectrum disorder. Identifiers: Orphanet 702, MedGen C0205711, MONDO:0010714, OMIM 312080, HP:0003269.

Submission:

Molecular Diagnostics Lab, Nemours Children's Health, Delaware
Classification: Likely pathogenic for Pelizaeus-Merzbacher disease. Last evaluated: 2021-11-16. Review status: criteria provided, single submitter. Criteria: ACMG Guidelines, 2015. Collection method: clinical testing. Allele origin: unknown. Inheritance: X-linked inheritance. Affected: yes. Observed: 1 hemizygote.
Comment: This variant (c.359delG, p.Gly120Alafs*27) occurs in a homopolymer region and results in a frameshift to a premature termination. It has not been observed in population databases (gnomAD), nor is it described in the literature. No functional studies have been published.

NM_000533.5(PLP1):c.359del (p.Gly120fs)

Genes: PLP1 (proteolipid protein 1; plus strand), RAB9B (RAB9B, member RAS oncogene family; minus strand). Cytogenetic location: Xq22.2.
Variant type: Deletion.
Coding change: c.359del on transcript NM_000533.5 (MANE Select); coding-DNA position 359, one base deleted (G; older notation c.359delG).
Protein change: p.Gly120fs; shifts the reading frame from glycine 120.
Molecular consequence: frameshift variant. On other transcripts: intron variant (1).
Genome position (GRCh38, 1-based): chrX:103,786,632, G deleted; the last of 5 consecutive G bases (chrX:103,786,628-103,786,632); deleting any one gives the same sequence. VCF-style (leftmost placement, unchanged base first): chrX-103786627-AG-A. GRCh37 (hg19) VCF-style: chrX-103041556-AG-A.
Other names: c.359del, p.Gly120fs (NM_001128834.3); c.194del, p.Gly65fs (NM_001305004.1); c.348+11del (NM_199478.3); c.359delG (NM_000533.5); short protein forms G120fs, G65fs.
Identifiers: ClinVar variation 3255421 (VCV003255421.2), dbSNP rs2522307850.